The following is an entry in ClinVar:

ClinVar aggregate classification (germline): Benign/Likely benign. Review status: criteria provided, multiple submitters, no conflicts (2 of 4 stars). 4 submissions from 4 submitters: Benign (1); Likely benign (3). Last evaluated 2026-01-24.

Conditions:
Joubert syndrome 17 (JBTS17). Identifiers: Orphanet 475, MedGen C3553264, MONDO:0013824, OMIM 614615.

Allele frequency attached by ClinVar (database versions not stated): gnomAD exomes 0.00032 and 0.00083; ESP Exome Variant Server 0.00038; gnomAD 0.00045 and 0.00058; TOPMed 0.00062; ExAC 0.00087; 1000 Genomes Project 30x 0.00094; 1000 Genomes Project 0.00120.
gnomAD v4.1: 551 of 1,613,568 alleles (0.034%); highest among the groups gnomAD compares: East Asian, 0.85%; 3 homozygotes.

Submissions (4):

Labcorp Genetics (formerly Invitae), Labcorp
Classification: Benign. Last evaluated: 2026-01-24. Review status: criteria provided, single submitter. Criteria: Invitae Variant Classification Sherloc (09022015). Collection method: clinical testing. Allele origin: germline.

Blueprint Genetics
Classification: Likely benign. Last evaluated: 2024-11-18. Review status: criteria provided, single submitter. Criteria: ACMG Guidelines, 2015. Collection method: clinical testing. Allele origin: germline.

GeneDx
Classification: Likely benign. Last evaluated: 2021-01-12. Review status: criteria provided, single submitter. Criteria: GeneDx Variant Classification Process June 2021. Collection method: clinical testing. Allele origin: germline. Affected: yes.

Illumina Laboratory Services, Illumina
Classification: Likely benign for Joubert syndrome 17. Last evaluated: 2018-01-13. Review status: criteria provided, single submitter. Criteria: ICSL Variant Classification Criteria 13 December 2019. Collection method: clinical testing. Allele origin: germline.
Comment: This variant was observed in the ICSL laboratory as part of a predisposition screen in an ostensibly healthy population. It had not been previously curated by ICSL or reported in the Human Gene Mutation Database (HGMD: prior to June 1st, 2018), and was therefore a candidate for classification through an automated scoring system. Utilizing variant allele frequency, disease prevalence and penetrance estimates, and inheritance mode, an automated score was calculated to assess if this variant is too frequent to cause the disease. Based on the score and internal cut-off values, a variant classified as likely benign is not then subjected to further curation. The score for this variant resulted in a classification of likely benign for this disease.

NM_001384732.1(CPLANE1):c.7920C>T (p.Ser2640=)

Gene: CPLANE1 (ciliogenesis and planar polarity effector complex subunit 1; minus strand). Cytogenetic location: 5p13.2.
Variant type: single nucleotide variant.
Coding change: c.7920C>T on transcript NM_001384732.1 (MANE Select); coding-DNA position 7920, C replaced by T.
Protein change: p.Ser2640=; no amino-acid change (serine 2640 retained).
Molecular consequence: synonymous variant.
Genome position (GRCh38, 1-based): chr5:37,157,761, G>A on the plus strand (C>T on the coding strand, the complement: CPLANE1 is on the minus strand). VCF-style: chr5-37157761-G-A. GRCh37 (hg19) VCF-style: chr5-37157863-G-A.
Other names: c.7866C>T, p.Ser2622= (NM_023073.4).
Identifiers: ClinVar variation 353429 (VCV000353429.17), dbSNP rs141486731, ClinGen allele CA3237917.